The following is an entry in ClinVar:

ClinVar aggregate classification (germline): Pathogenic (1 of 4 stars; one submission).

Conditions:
Developmental and epileptic encephalopathy, 8 (DEE8). Also called: HYPEREKPLEXIA AND EPILEPSY. Identifiers: Orphanet 163985, Orphanet 2076, MedGen C1845102, MONDO:0010375, OMIM 300607.

Submission:

Center for Genomics, Ann and Robert H. Lurie Children's Hospital of Chicago
Classification: Pathogenic for Developmental and epileptic encephalopathy, 8. Last evaluated: 2022-09-07. Review status: criteria provided, single submitter. Criteria: ACMG Guidelines, 2015. Collection method: clinical testing. Allele origin: germline.
Comment: This variant has not been reported in the literature and is not present in large control databases. Evolutionary conservation and computational predictive tools for this variant are limited or unavailable. This variant is a deletion of 8 nucleotides at amino acid position 303 and creates a premature stop codon 39 amino acids downstream from this location which results in an absent or abnormal protein. Loss of function variants have been reported in association with disease for this gene (Ghesh 2021 PMID:33600053). In summary, data on this variant is highly suspicious for disease, but requires further evidence for pathogenicity. Therefore, this variant is classified as Likely Pathogenic .

NM_001353921.2(ARHGEF9):c.928_935del (p.Ser310fs)

Gene: ARHGEF9 (Cdc42 guanine nucleotide exchange factor 9; minus strand). Cytogenetic location: Xq11.1.
Variant type: Deletion.
Coding change: c.928_935del on transcript NM_001353921.2 (MANE Select); coding-DNA positions 928 to 935, 8 bases deleted (TCTGTCCT; older notation c.928_935delTCTGTCCT).
Protein change: p.Ser310fs; shifts the reading frame from serine 310.
Molecular consequence: frameshift variant.
Genome position (GRCh38, 1-based): chrX:63,674,048-63,674,055, AGGACAGA deleted on the plus strand (TCTGTCCT on the coding strand, the reverse complement: ARHGEF9 is on the minus strand); deleting any 8 consecutive bases within chrX:63,674,048-63,674,057 gives the same sequence; the c. name uses the placement nearest the transcript's 3' end. VCF-style (leftmost placement, unchanged base first): chrX-63674047-TAGGACAGA-T. GRCh37 (hg19) VCF-style: chrX-62893927-TAGGACAGA-T.
Other names: c.748_755del, p.Ser250fs (NM_001173479.2); c.601_608del, p.Ser201fs (NM_001173480.2, NM_001369042.1); c.844_851del, p.Ser282fs (NM_001330495.2, NM_001353927.2, NM_001369033.1 and 8 more transcripts); c.928_935del, p.Ser310fs (NM_001353922.2); c.946_953del, p.Ser316fs (NM_001353923.1); c.727_734del, p.Ser243fs (NM_001353924.2, NM_001353926.2, NM_001369039.1 and 1 more transcripts); c.907_914del, p.Ser303fs (NM_001353928.2, NM_001369030.1, NM_001369031.1 and 2 more transcripts); c.493_500del, p.Ser165fs (NM_001369045.1); short protein forms S165fs, S201fs, S243fs, S250fs, S282fs, S303fs, S310fs, S316fs.
Identifiers: ClinVar variation 2501758 (VCV002501758.1), dbSNP rs2519728574, ClinGen allele CA2580612333.